The following is an entry in ClinVar:

ClinVar aggregate classification (germline): Likely pathogenic (1 of 4 stars; one submission).

Submission:

CeGaT Center for Human Genetics Tuebingen
Classification: Likely pathogenic. Last evaluated: 2026-10-01. Review status: criteria provided, single submitter. Criteria: CeGaT Center For Human Genetics Tuebingen Variant Classification Criteria Version 2. Collection method: clinical testing. Allele origin: germline. Affected: yes. Observed: 2 variant alleles.
Comment: ATP7B: PM1, PM2, PM5, PM3:Supporting, PP3, PP4

NM_000053.4(ATP7B):c.3896T>C (p.Leu1299Pro)

Gene: ATP7B (ATPase copper transporting beta; minus strand). Cytogenetic location: 13q14.3.
Variant type: single nucleotide variant.
Coding change: c.3896T>C on transcript NM_000053.4 (MANE Select); coding-DNA position 3896, T replaced by C.
Protein change: p.Leu1299Pro; replaces leucine 1299 with proline.
Molecular consequence: missense variant. On other transcripts: intron variant (1).
Genome position (GRCh38, 1-based): chr13:51,937,483, A>G on the plus strand (T>C on the coding strand, the complement: ATP7B is on the minus strand). VCF-style: chr13-51937483-A-G. GRCh37 (hg19) VCF-style: chr13-52511619-A-G.
Other names: c.3275T>C, p.Leu1092Pro (NM_001005918.3); c.3563T>C, p.Leu1188Pro (NM_001243182.2); c.3662T>C, p.Leu1221Pro (NM_001330578.2, NM_001406527.1, NM_001406528.1); c.3644T>C, p.Leu1215Pro (NM_001330579.2, NM_001406531.1, NM_001406532.1); c.3896T>C, p.Leu1299Pro (NM_001406511.1, NM_001406512.1); c.3890T>C, p.Leu1297Pro (NM_001406513.1); c.3863T>C, p.Leu1288Pro (NM_001406514.1); c.3842T>C, p.Leu1281Pro (NM_001406515.1, NM_001406516.1); and 21 more; short protein forms L1018P, L1072P, L1083P, L1092P, L1105P, L1135P, L1137P, L1150P.
Identifiers: ClinVar variation 2570866 (VCV002570866.27), dbSNP rs2547566672, ClinGen allele CA388021377.